The following is an entry in ClinVar:

ClinVar aggregate classification (germline): Uncertain significance (1 of 4 stars; one submission).

Conditions:
Multiple congenital exostosis (EXT). Also called: Hereditary multiple exostoses; Hereditary multiple exostosis; MULTIPLE CARTILAGINOUS EXOSTOSES; Multiple osteochondromas; Multiple exostoses; Hereditary multiple osteochondromas. Identifiers: Orphanet 321, MedGen C0015306, MONDO:0005508, HP:0002762.

Allele frequency attached by ClinVar (database versions not stated): gnomAD 0.00001.
gnomAD v4.1: 1 of 1,613,980 alleles (0.000062%); highest among the groups gnomAD compares: Admixed American, 0.0017%; no homozygotes.

Submission:

Labcorp Genetics (formerly Invitae), Labcorp
Classification: Uncertain significance for Multiple congenital exostosis. Last evaluated: 2022-07-18. Review status: criteria provided, single submitter. Criteria: Invitae Variant Classification Sherloc (09022015). Collection method: clinical testing. Allele origin: germline.
Comment: In summary, the available evidence is currently insufficient to determine the role of this variant in disease. Therefore, it has been classified as a Variant of Uncertain Significance. Advanced modeling of protein sequence and biophysical properties (such as structural, functional, and spatial information, amino acid conservation, physicochemical variation, residue mobility, and thermodynamic stability) performed at Invitae indicates that this missense variant is not expected to disrupt EXT1 protein function. This variant is not present in population databases (gnomAD no frequency). This variant has not been reported in the literature in individuals affected with EXT1-related conditions. This sequence change replaces aspartic acid, which is acidic and polar, with glutamic acid, which is acidic and polar, at codon 742 of the EXT1 protein (p.Asp742Glu).

NM_000127.3(EXT1):c.2226C>A (p.Asp742Glu)

Gene: EXT1 (exostosin glycosyltransferase 1; minus strand). Cytogenetic location: 8q24.11.
Variant type: single nucleotide variant.
Coding change: c.2226C>A on transcript NM_000127.3 (MANE Select); coding-DNA position 2226, C replaced by A.
Protein change: p.Asp742Glu; replaces aspartic acid 742 with glutamic acid.
Molecular consequence: missense variant.
Genome position (GRCh38, 1-based): chr8:117,799,727, G>T on the plus strand (C>A on the coding strand, the complement: EXT1 is on the minus strand). VCF-style: chr8-117799727-G-T. GRCh37 (hg19) VCF-style: chr8-118811966-G-T.
Other names: short protein forms D742E.
Identifiers: ClinVar variation 2015774 (VCV002015774.4), dbSNP rs1823135203, ClinGen allele CA371889527.
Genomic context (GRCh38, chr8:117,799,727, plus strand): 5'-ACCCCCATCCCTTCTTGCTTCCCCTCCCCCACTCAGCCGGATTCCTCAAAGTCGCTCAAT[G>T]TCTCGGTATTTCTTCCTCAAAATAGAGACCTGGTCTTTAAAGAGGACGGGGTCGAGCCTC-3'
Protein context (NP_000118.2, residues 732-746): QVSILRKKYR[Asp742Glu]IERL